The following is an entry in ClinVar:

ClinVar aggregate classification (germline): Benign/Likely benign. Review status: criteria provided, multiple submitters, no conflicts (2 of 4 stars). 2 submissions from 2 submitters: Benign (1); Likely benign (1). Last evaluated 2025-06-13.

Submissions (2):

Mayo Clinic Laboratories, Mayo Clinic
Classification: Benign. Last evaluated: 2025-06-13. Review status: criteria provided, single submitter. Criteria: ACMG Guidelines, 2015. Collection method: clinical testing. Allele origin: germline. Observed: 1 variant allele.
Comment: BA1, BP4, BP7

Blueprint Genetics
Classification: Likely benign. Last evaluated: 2024-11-26. Review status: criteria provided, single submitter. Criteria: ACMG Guidelines, 2015. Collection method: clinical testing. Allele origin: germline.

NM_000254.3(MTR):c.*15_*16del

Gene: MTR (5-methyltetrahydrofolate-homocysteine methyltransferase; plus strand). Cytogenetic location: 1q43.
Variant type: Deletion.
Coding change: c.*15_*16del on transcript NM_000254.3 (MANE Select); 15 bases downstream of the stop codon through 16 bases downstream of the stop codon, 2 bases deleted (TT; older notation c.*15_*16delTT).
Molecular consequence: 3 prime UTR variant.
Genome position (GRCh38, 1-based): chr1:236,897,659-236,897,660, TT deleted; deleting any 2 consecutive bases within chr1:236,897,646-236,897,660 gives the same sequence; the c. name uses the placement nearest the transcript's 3' end. VCF-style (leftmost placement, unchanged base first): chr1-236897645-CTT-C. GRCh37 (hg19) VCF-style: chr1-237060945-CTT-C.
Other names: c.*15_*16del (NM_001291939.1, NM_001291940.2, NM_001410942.1).
Identifiers: ClinVar variation 4684371 (VCV004684371.2).